The following is an entry in ClinVar:

NM_138694.4(PKHD1):c.7737G>T (p.Ala2579=)

Gene: PKHD1 (PKHD1 ciliary IPT domain containing fibrocystin/polyductin; minus strand). Cytogenetic location: 6p12.2.
Variant type: single nucleotide variant.
Coding change: c.7737G>T on transcript NM_138694.4 (MANE Select); coding-DNA position 7737, G replaced by T.
Protein change: p.Ala2579=; no amino-acid change (alanine 2579 retained).
Molecular consequence: synonymous variant.
Genome position (GRCh38, 1-based): chr6:51,856,067, C>A on the plus strand (G>T on the coding strand, the complement: PKHD1 is on the minus strand). VCF-style: chr6-51856067-C-A. GRCh37 (hg19) VCF-style: chr6-51720865-C-A.
Other names: c.7737G>T, p.Ala2579= (NM_170724.3).
Identifiers: ClinVar variation 3045742 (VCV003045742.2), dbSNP rs759139294, ClinGen allele CA450416177.

ClinVar aggregate classification (germline): Likely benign (0 of 4 stars; one submission).

Conditions:
PKHD1-related disorder. Also called: PKHD1-related condition.

Submission:

PreventionGenetics, part of Exact Sciences
Classification: Likely benign for PKHD1-related condition. Last evaluated: 2022-05-27. Review status: no assertion criteria provided. Collection method: clinical testing. Allele origin: germline.
Comment: This variant is classified as likely benign based on ACMG/AMP sequence variant interpretation guidelines (Richards et al. 2015 PMID: 25741868, with internal and published modifications).